The following is an entry in ClinVar:

NM_032243.6(TXNDC2):c.711G>A (p.Glu237=)

Gene: TXNDC2 (thioredoxin domain containing 2; plus strand). Cytogenetic location: 18p11.22.
Variant type: single nucleotide variant.
Coding change: c.711G>A on transcript NM_032243.6 (MANE Select); coding-DNA position 711, G replaced by A.
Protein change: p.Glu237=; no amino-acid change (glutamic acid 237 retained).
Molecular consequence: synonymous variant.
Genome position (GRCh38, 1-based): chr18:9,887,391, G>A. VCF-style: chr18-9887391-G-A. GRCh37 (hg19) VCF-style: chr18-9887388-G-A.
Other names: c.912G>A, p.Glu304= (NM_001098529.2); c.711G>A, p.Glu237= (NM_001098530.1).
Identifiers: ClinVar variation 2648568 (VCV002648568.24), dbSNP rs1784553, ClinGen allele CA295957588.

ClinVar aggregate classification (germline): Likely benign (1 of 4 stars; one submission).

Allele frequency attached by ClinVar (database versions not stated): gnomAD exomes 0.00001.

Submission:

CeGaT Center for Human Genetics Tuebingen
Classification: Likely benign. Last evaluated: 2026-08-01. Review status: criteria provided, single submitter. Criteria: CeGaT Center For Human Genetics Tuebingen Variant Classification Criteria Version 2. Collection method: clinical testing. Allele origin: germline. Affected: yes. Observed: 5 variant alleles.
Comment: TXNDC2: BP4, BP7